The following is an entry in ClinVar:

NM_053025.4(MYLK):c.2396G>C (p.Arg799Pro)

Gene: MYLK (myosin light chain kinase; minus strand). Cytogenetic location: 3q21.1.
Variant type: single nucleotide variant.
Coding change: c.2396G>C on transcript NM_053025.4 (MANE Select); coding-DNA position 2396, G replaced by C.
Protein change: p.Arg799Pro; replaces arginine 799 with proline.
Molecular consequence: missense variant.
Genome position (GRCh38, 1-based): chr3:123,701,504, C>G on the plus strand (G>C on the coding strand, the complement: MYLK is on the minus strand). VCF-style: chr3-123701504-C-G. GRCh37 (hg19) VCF-style: chr3-123420351-C-G.
Other names: c.1868G>C, p.Arg623Pro (NM_001321309.2); c.2189G>C, p.Arg730Pro (NM_053026.4, NM_053028.4); c.2396G>C, p.Arg799Pro (NM_053027.4); short protein forms R730P, R799P, R623P.
Identifiers: ClinVar variation 3669592 (VCV003669592.2).

ClinVar aggregate classification (germline): Uncertain significance (1 of 4 stars; one submission).

Conditions:
Aortic aneurysm, familial thoracic 7 (AAT7). Also called: AORTIC DISSECTION, FAMILIAL, WITH OR WITHOUT AORTIC ANEURYSM. Identifiers: MedGen C3151077, MONDO:0013418, OMIM 613780.

Submission:

Labcorp Genetics (formerly Invitae), Labcorp
Classification: Uncertain significance for Aortic aneurysm, familial thoracic 7. Last evaluated: 2024-03-28. Review status: criteria provided, single submitter. Criteria: Invitae Variant Classification Sherloc (09022015). Collection method: clinical testing. Allele origin: germline.
Comment: This sequence change replaces arginine, which is basic and polar, with proline, which is neutral and non-polar, at codon 799 of the MYLK protein (p.Arg799Pro). This variant is not present in population databases (gnomAD no frequency). This variant has not been reported in the literature in individuals affected with MYLK-related conditions. Advanced modeling of protein sequence and biophysical properties (such as structural, functional, and spatial information, amino acid conservation, physicochemical variation, residue mobility, and thermodynamic stability) performed at Invitae indicates that this missense variant is not expected to disrupt MYLK protein function with a negative predictive value of 80%. In summary, the available evidence is currently insufficient to determine the role of this variant in disease. Therefore, it has been classified as a Variant of Uncertain Significance.